The following is an entry in ClinVar:

ClinVar aggregate classification (germline): Uncertain significance (1 of 4 stars; one submission).

Conditions:
Retinitis pigmentosa 12 (RP12). Also called: RP WITH OR WITHOUT PRESERVED PARAARTERIOLE RETINAL PIGMENT EPITHELIUM; RETINITIS PIGMENTOSA WITH OR WITHOUT PARAARTERIOLAR PRESERVATION OF RETINAL PIGMENT EPITHELIUM; RP WITH OR WITHOUT PPRPE. Identifiers: Orphanet 791, MedGen C1838647, MONDO:0010818, OMIM 600105.
Leber congenital amaurosis 8 (LCA8). Identifiers: Orphanet 65, MedGen C3151202, MONDO:0013453, OMIM 613835.

Submission:

Labcorp Genetics (formerly Invitae), Labcorp
Classification: Uncertain significance for Leber congenital amaurosis 8; Retinitis pigmentosa 12. Last evaluated: 2022-06-13. Review status: criteria provided, single submitter. Criteria: Invitae Variant Classification Sherloc (09022015). Collection method: clinical testing. Allele origin: germline.
Comment: This variant is not present in population databases (gnomAD no frequency). In summary, the available evidence is currently insufficient to determine the role of this variant in disease. Therefore, it has been classified as a Variant of Uncertain Significance. Advanced modeling of protein sequence and biophysical properties (such as structural, functional, and spatial information, amino acid conservation, physicochemical variation, residue mobility, and thermodynamic stability) performed at Invitae indicates that this missense variant is expected to disrupt CRB1 protein function. This variant has not been reported in the literature in individuals affected with CRB1-related conditions. This sequence change replaces glutamic acid, which is acidic and polar, with glycine, which is neutral and non-polar, at codon 337 of the CRB1 protein (p.Glu337Gly).

NM_201253.3(CRB1):c.1010A>G (p.Glu337Gly)

Gene: CRB1 (crumbs cell polarity complex component 1; plus strand). Cytogenetic location: 1q31.3.
Variant type: single nucleotide variant.
Coding change: c.1010A>G on transcript NM_201253.3 (MANE Select); coding-DNA position 1010, A replaced by G.
Protein change: p.Glu337Gly; replaces glutamic acid 337 with glycine.
Molecular consequence: missense variant. On other transcripts: non-coding transcript variant (2).
Genome position (GRCh38, 1-based): chr1:197,356,852, A>G. VCF-style: chr1-197356852-A-G. GRCh37 (hg19) VCF-style: chr1-197325982-A-G.
Other names: c.674A>G, p.Glu225Gly (NM_001193640.2); c.803A>G, p.Glu268Gly (NM_001257965.2); c.1010A>G, p.Glu337Gly (NM_001257966.2); short protein forms E337G, E225G, E268G.
Identifiers: ClinVar variation 1450674 (VCV001450674.8), dbSNP rs2125354280, ClinGen allele CA344084341.